The following is an entry in ClinVar:

ClinVar aggregate classification (germline): Pathogenic (1 of 4 stars; one submission).

Allele frequency attached by ClinVar (database versions not stated): gnomAD exomes 0.00001; TOPMed 0.00001; gnomAD 0.00002; ExAC 0.00004.

Submission:

Labcorp Genetics (formerly Invitae), Labcorp
Classification: Pathogenic. Last evaluated: 2022-07-05. Review status: criteria provided, single submitter. Criteria: Invitae Variant Classification Sherloc (09022015). Collection method: clinical testing. Allele origin: germline.
Comment: This sequence change creates a premature translational stop signal (p.Arg36Lysfs*57) in the GPX4 gene. It is expected to result in an absent or disrupted protein product. Loss-of-function variants in GPX4 are known to be pathogenic (PMID: 24706940). This variant is present in population databases (rs774824204, gnomAD 0.002%). This variant has not been reported in the literature in individuals affected with GPX4-related conditions. For these reasons, this variant has been classified as Pathogenic.

Literature cited by the submitters: PubMed 24706940.

NM_002085.5(GPX4):c.85-346dup

Gene: GPX4 (glutathione peroxidase 4; plus strand). Cytogenetic location: 19p13.3.
Variant type: Duplication.
Coding change: c.85-346dup on transcript NM_002085.5 (MANE Select); 346 bases into the intron before coding-DNA position 85, one base duplicated (A; older notation c.85-346dupA).
Molecular consequence: intron variant. On other transcripts: frameshift variant (1).
Genome position (GRCh38, 1-based): chr19:1,104,840, A duplicated. VCF-style (leftmost placement, unchanged base first): chr19-1104839-C-CA. GRCh37 (hg19) VCF-style: chr19-1104838-C-CA.
Other names: c.106dup, p.Arg36fs (NM_001039848.4); c.85-346dup (NM_001039847.3); c.4-346dup (NM_001367832.1); short protein forms R36fs.
Identifiers: ClinVar variation 2056682 (VCV002056682.1), dbSNP rs774824204, ClinGen allele CA9037145.